The following is an entry in ClinVar:

ClinVar aggregate classification (germline): Likely pathogenic. Review status: reviewed by expert panel (3 of 4 stars). 2 submissions from 2 submitters: Likely pathogenic (1). 1 of the submissions does not count toward it. Last evaluated 2025-06-19.

Conditions:
Glanzmann thrombasthenia. Also called: PLATELET GLYCOPROTEIN IIb-IIIa DEFICIENCY; BLEEDING DISORDER, PLATELET-TYPE, 2; THROMBASTHENIA OF GLANZMANN AND NAEGELI; Thrombasthenia; Glanzmann's thrombasthenia. Identifiers: Orphanet 849, MedGen C0040015, MONDO:0100326.

Allele frequency attached by ClinVar (database versions not stated): ExAC 0.00001; gnomAD exomes 0.00001.

Submissions (2):

ClinGen Platelet Disorders Variant Curation Expert Panel, ClinGen
Classification: Likely pathogenic for Glanzmann thrombasthenia. Last evaluated: 2025-06-19. Review status: reviewed by expert panel. Criteria: ClinGen Platelet ACMG Specifications v2-1. Collection method: curation. Allele origin: germline. Inheritance: Autosomal recessive inheritance.
Comment: NM_000212.3(ITGB3):c.567del (p.Tyr190ThrfsTer17) found in a compound heterozygous proband (PMID:28748566) causes a premature stop codon at exon 5 and is predicted to undergo nonsense mediated decay (PVS1). The highest population minor allele frequency in gnomAD v4.1 is 0.000002542 (3/1180010 alleles) in the European (Non-Finnish) population, which is lower than the ClinGen PD VCEP threshold (<0.0001; PM2_Supporting). In summary, this variant meets the criteria to be classified as likely pathogenic for autosomal recessive Glanzmann thrombasthenia based on the ACMG/AMP criteria applied, as specified by the ClinGen PD VCEP: PVS1 and PM2_supporting.

Labcorp Genetics (formerly Invitae), Labcorp
Classification: Pathogenic. Last evaluated: 2023-07-17. Review status: criteria provided, single submitter. Criteria: Invitae Variant Classification Sherloc (09022015). Collection method: clinical testing. Allele origin: germline. Not counted in ClinVar's aggregate classification.
Comment: For these reasons, this variant has been classified as Pathogenic. ClinVar contains an entry for this variant (Variation ID: 1879008). This premature translational stop signal has been observed in individual(s) with clinical features of autosomal recessive ITGB3-related conditions (PMID: 28748566). This variant is present in population databases (rs758289890, gnomAD 0.0009%). This sequence change creates a premature translational stop signal (p.Tyr190Thrfs*17) in the ITGB3 gene. It is expected to result in an absent or disrupted protein product. Loss-of-function variants in ITGB3 are known to be pathogenic (PMID: 21917754).

Literature cited by the submitters: PubMed 28748566 (cited by Labcorp Genetics (formerly Invitae), Labcorp); PubMed 21917754 (cited by Labcorp Genetics (formerly Invitae), Labcorp).

NM_000212.3(ITGB3):c.567del (p.Tyr190fs)

Gene: ITGB3 (integrin subunit beta 3; plus strand). Cytogenetic location: 17q21.32.
Variant type: Deletion.
Coding change: c.567del on transcript NM_000212.3 (MANE Select); coding-DNA position 567, one base deleted (A; older notation c.567delA).
Protein change: p.Tyr190fs; shifts the reading frame from tyrosine 190.
Molecular consequence: frameshift variant.
Genome position (GRCh38, 1-based): chr17:47,284,648, A deleted. VCF-style (leftmost placement, unchanged base first): chr17-47284647-CA-C. GRCh37 (hg19) VCF-style: chr17-45362013-CA-C.
Other names: NM_000212.3:c.567del; short protein forms Y190fs.
Identifiers: ClinVar variation 1879008 (VCV001879008.5), dbSNP rs758289890, ClinGen allele CA8622982.
Genomic context (GRCh38, chr17:47,284,647, plus strand): 5'-GAAAGCTCACCAGTAACCTGCGGATTGGCTTCGGGGCATTTGTGGACAAGCCTGTGTCAC[CA>C]TACATGTATATCTCCCCACCAGAGGCCCTCGAAAACCCCTGCTATGAGTAAGTCCCTCCT-3'